The following is an entry in ClinVar:

NM_001286577.2(C2CD3):c.2085+5G>A

Gene: C2CD3 (C2 domain containing 3 centriole elongation regulator; minus strand). Cytogenetic location: 11q13.4.
Variant type: single nucleotide variant.
Coding change: c.2085+5G>A on transcript NM_001286577.2 (MANE Select); 5 bases into the intron after coding-DNA position 2085, G replaced by A.
Molecular consequence: intron variant.
Genome position (GRCh38, 1-based): chr11:74,106,366, C>T on the plus strand (G>A on the coding strand, the complement: C2CD3 is on the minus strand). VCF-style: chr11-74106366-C-T. GRCh37 (hg19) VCF-style: chr11-73817411-C-T.
Other names: c.2085+5G>A (NM_015531.6, NM_015531.4).
Identifiers: ClinVar variation 2197328 (VCV002197328.4), dbSNP rs773882554, ClinGen allele CA6182729.
Genomic context (GRCh38, chr11:74,106,366, plus strand): 5'-TCAGTGCCAGCCAATAATGCATACTCAGCAAATACTTCTGACTTCCTGAATGTATATCTA[C>T]ATACCTTGAGGGGGCCAAATGGAGACTGACCATTTTCTTGTTGCACTGGAAGCTGATCAC-3'

ClinVar aggregate classification (germline): Uncertain significance. Review status: criteria provided, multiple submitters, no conflicts (2 of 4 stars). 2 submissions from 2 submitters: Uncertain significance (2). Last evaluated 2024-12-16.

Conditions:
Inborn genetic diseases. Identifiers: MedGen C0950123, MeSH D030342.

Allele frequency attached by ClinVar (database versions not stated): TOPMed 0.00002; gnomAD 0.00003; gnomAD exomes 0.00003; ExAC 0.00007.
gnomAD v4.1: 46 of 1,613,832 alleles (0.0029%); highest among the groups gnomAD compares: South Asian, 0.014%; no homozygotes.

Submissions (2):

Labcorp Genetics (formerly Invitae), Labcorp
Classification: Uncertain significance. Last evaluated: 2024-12-16. Review status: criteria provided, single submitter. Criteria: Invitae Variant Classification Sherloc (09022015). Collection method: clinical testing. Allele origin: germline.
Comment: This sequence change falls in intron 13 of the C2CD3 gene. It does not directly change the encoded amino acid sequence of the C2CD3 protein. It affects a nucleotide within the consensus splice site. This variant is present in population databases (rs773882554, gnomAD 0.02%). This variant has not been reported in the literature in individuals affected with C2CD3-related conditions. ClinVar contains an entry for this variant (Variation ID: 2197328). Variants that disrupt the consensus splice site are a relatively common cause of aberrant splicing (PMID: 17576681, 9536098). Algorithms developed to predict the effect of sequence changes on RNA splicing suggest that this variant may disrupt the consensus splice site. In summary, the available evidence is currently insufficient to determine the role of this variant in disease. Therefore, it has been classified as a Variant of Uncertain Significance.

Ambry Genetics
Classification: Uncertain significance for Inborn genetic diseases. Last evaluated: 2022-09-14. Review status: criteria provided, single submitter. Criteria: Ambry Variant Classification Scheme 2023. Collection method: clinical testing. Allele origin: germline.
Comment: The c.2085+5G>A intronic alteration consists of a G to A substitution nucleotides after coding exon 13 in the C2CD3 gene. Based on insufficient or conflicting evidence, the clinical significance of this alteration remains unclear.

Literature cited by the submitters: PubMed 17576681 (cited by Labcorp Genetics (formerly Invitae), Labcorp); PubMed 9536098 (cited by Labcorp Genetics (formerly Invitae), Labcorp).